The following is an entry in ClinVar:

NM_000094.4(COL7A1):c.3359G>A (p.Arg1120Lys)

Gene: COL7A1 (collagen type VII alpha 1 chain; minus strand). Cytogenetic location: 3p21.31.
Variant type: single nucleotide variant.
Coding change: c.3359G>A on transcript NM_000094.4 (MANE Select); coding-DNA position 3359, G replaced by A.
Protein change: p.Arg1120Lys; replaces arginine 1120 with lysine.
Molecular consequence: missense variant.
Genome position (GRCh38, 1-based): chr3:48,586,607, C>T on the plus strand (G>A on the coding strand, the complement: COL7A1 is on the minus strand). VCF-style: chr3-48586607-C-T. GRCh37 (hg19) VCF-style: chr3-48624040-C-T.
Other names: p.Arg1120Lys; short protein forms R1120K.
Identifiers: ClinVar variation 774420 (VCV000774420.47), dbSNP rs2228563, ClinGen allele CA2380554.

ClinVar aggregate classification (germline): Benign/Likely benign. Review status: criteria provided, multiple submitters, no conflicts (2 of 4 stars). 12 submissions from 12 submitters: Benign (3); Likely benign (4). 5 of the submissions do not count toward it. Last evaluated 2026-02-04.

Conditions:
COL7A1-related disorder. Also called: COL7A1- related disorders; COL7A1-related condition.
Recessive dystrophic epidermolysis bullosa (RDEB). Also called: Epidermolysis Bullosa Distrophica Autosomal Recessive (RDEB); severe generalized recessive dystrophic epidermolysis bullosa; EPIDERMOLYSIS BULLOSA DYSTROPHICA, GENERALIZED SEVERE, AUTOSOMAL RECESSIVE; DYSTROPHIC EPIDERMOLYSIS BULLOSA, AUTOSOMAL RECESSIVE; EPIDERMOLYSIS BULLOSA DYSTROPHICA, HALLOPEAU-SIEMENS TYPE; Recessive DEB (RDEB). Identifiers: Orphanet 79408, Orphanet 79409, MedGen C0079474, MONDO:0009179, OMIM 226600.
Epidermolysis bullosa dystrophica inversa, autosomal recessive. Identifiers: MedGen C2673612.
Epidermolysis bullosa pruriginosa. Also called: DEB, PRURIGINOSA; DYSTROPHIC EPIDERMOLYSIS BULLOSA PRURIGINOSA. Identifiers: Orphanet 89843, MedGen C1275114, MONDO:0011398, OMIM 604129.
Generalized dominant dystrophic epidermolysis bullosa (DDEB). Also called: DDEB, generalized; DDEB-gen; DYSTROPHIC EPIDERMOLYSIS BULLOSA, AUTOSOMAL DOMINANT; Epidermolysis bullosa dystrophica, autosomal dominant; Dominant DEB (DDEB). Identifiers: Orphanet 231568, MedGen C0432322, MONDO:0007549, OMIM 131750.
Pretibial dystrophic epidermolysis bullosa. Also called: EPIDERMOLYSIS BULLOSA DYSTROPHICA, PRETIBIAL; Pretibial blistering; Pretibial epidermolysis bullosa. Identifiers: Orphanet 79410, MedGen C0432321, MONDO:0007552, OMIM 131850, HP:0012221.
Dominant dystrophic epidermolysis bullosa with absence of skin. Also called: EPIDERMOLYSIS BULLOSA DYSTROPHICA, BART TYPE; EPIDERMOLYSIS BULLOSA WITH CONGENITAL LOCALIZED ABSENCE OF SKIN AND DEFORMITY OF NAILS. Identifiers: MedGen C0268371, MONDO:0007557, OMIM 132000.
Nonsyndromic congenital nail disorder 8. Also called: TOENAIL DYSTROPHY, ISOLATED. Identifiers: MedGen C1843761, MONDO:0011852, OMIM 607523.
Transient bullous dermolysis of the newborn (TBDN). Also called: EPIDERMOLYSIS BULLOSA DYSTROPHICA, NEONATAL FORM; DYSTROPHIC EPIDERMOLYSIS BULLOSA, NEONATAL. Identifiers: Orphanet 79411, MedGen C1851573, MONDO:0007548, OMIM 131705.
Epidermolysis bullosa dystrophica. Also called: Dystrophic epidermolysis bullosa, Hallopeau-Siemens type (formerly); Dystrophic epidermolysis bullosa. Identifiers: Orphanet 303, MedGen C0079294, MONDO:0006543.

Allele frequency attached by ClinVar (database versions not stated): 1000 Genomes Project 30x 0.00031; 1000 Genomes Project 0.00040; gnomAD 0.00277 and 0.00287; TOPMed 0.00280; ExAC 0.00309; gnomAD exomes 0.00322 and 0.00380; ESP Exome Variant Server 0.00361.
gnomAD v4.1: 5,942 of 1,613,756 alleles (0.37%); highest among the groups gnomAD compares: Non-Finnish European, 0.42%; 16 homozygotes.

Submissions (12):

Labcorp Genetics (formerly Invitae), Labcorp
Classification: Benign. Last evaluated: 2026-02-04. Review status: criteria provided, single submitter. Criteria: Invitae Variant Classification Sherloc (09022015). Collection method: clinical testing. Allele origin: germline.

CeGaT Center for Human Genetics Tuebingen
Classification: Likely benign. Last evaluated: 2025-10-01. Review status: criteria provided, single submitter. Criteria: CeGaT Center For Human Genetics Tuebingen Variant Classification Criteria Version 2. Collection method: clinical testing. Allele origin: germline. Affected: yes. Observed: 5 variant alleles.
Comment: COL7A1: BP4, BS2

Mayo Clinic Laboratories, Mayo Clinic
Classification: Benign. Last evaluated: 2024-05-28. Review status: criteria provided, single submitter. Criteria: ACMG Guidelines, 2015. Collection method: clinical testing. Allele origin: germline. Observed: 3 variant alleles.
Comment: BS1, BS2, BP4

Fulgent Genetics
Classification: Benign for Transient bullous dermolysis of the newborn; Generalized dominant dystrophic epidermolysis bullosa; Pretibial dystrophic epidermolysis bullosa; Dominant dystrophic epidermolysis bullosa with absence of skin; Recessive dystrophic epidermolysis bullosa; Epidermolysis bullosa pruriginosa; Nonsyndromic congenital nail disorder 8. Last evaluated: 2022-04-28. Review status: criteria provided, single submitter. Criteria: ACMG Guidelines, 2015. Collection method: clinical testing. Allele origin: unknown.

Department of Pathology and Laboratory Medicine, Sinai Health System
Classification: Likely benign for recessive dystrophic epidermolysis bullosa. Last evaluated: 2020-07-28. Review status: criteria provided, single submitter. Criteria: ACMG Guidelines, 2015. Collection method: research. Allele origin: germline.

Illumina Laboratory Services, Illumina
Classification: Likely benign for Dystrophic epidermolysis bullosa. Last evaluated: 2017-04-27. Review status: criteria provided, single submitter. Criteria: ICSL Variant Classification Criteria 13 December 2019. Collection method: clinical testing. Allele origin: germline.
Comment: This variant was observed as part of a predisposition screen in an ostensibly healthy population. A literature search was performed for the gene, cDNA change, and amino acid change (where applicable). Publications were found based on this search. The evidence from the literature, in combination with allele frequency data from public databases where available, was sufficient to determine this variant is unlikely to cause disease. Therefore, this variant is classified as likely benign.

Breakthrough Genomics
Classification: Likely benign. Review status: criteria provided, single submitter. Criteria: ACMG Guidelines, 2015. Collection method: not provided. Allele origin: germline. Inheritance: Autosomal recessive inheritance. Affected: yes.

Natera, Inc.
Classification: Benign for Autosomal recessive epidermolysis bullosa dystrophica inversa. Last evaluated: 2020-01-03. Review status: no assertion criteria provided. Collection method: clinical testing. Allele origin: germline. Not counted in ClinVar's aggregate classification.

PreventionGenetics, part of Exact Sciences
Classification: Benign for COL7A1-related condition. Last evaluated: 2019-10-25. Review status: no assertion criteria provided. Collection method: clinical testing. Allele origin: germline. Not counted in ClinVar's aggregate classification.
Comment: This variant is classified as benign based on ACMG/AMP sequence variant interpretation guidelines (Richards et al. 2015 PMID: 25741868, with internal and published modifications).

Clinical Genetics DNA and cytogenetics Diagnostics Lab, Erasmus MC, Erasmus Medical Center
Classification: Likely benign. Review status: no assertion criteria provided. Collection method: clinical testing. Allele origin: germline. Affected: yes. Study: VKGL Data-share Consensus. Not counted in ClinVar's aggregate classification.

Genome Diagnostics Laboratory, Amsterdam University Medical Center
Classification: Likely benign. Review status: no assertion criteria provided. Collection method: clinical testing. Allele origin: germline. Affected: yes. Study: VKGL Data-share Consensus. Not counted in ClinVar's aggregate classification.

Joint Genome Diagnostic Labs from Nijmegen and Maastricht, Radboudumc and MUMC+
Classification: Likely benign. Review status: no assertion criteria provided. Collection method: clinical testing. Allele origin: germline. Affected: yes. Study: VKGL Data-share Consensus. Not counted in ClinVar's aggregate classification.

Literature cited by the submitters: PubMed 32707200 (cited by Mayo Clinic Laboratories, Mayo Clinic); PubMed 33974636 (cited by Mayo Clinic Laboratories, Mayo Clinic); PubMed 23237810 (cited by Illumina Laboratory Services, Illumina); PubMed 15816848 (cited by Illumina Laboratory Services, Illumina).